The following is an entry in ClinVar:

ClinVar aggregate classification (germline): Uncertain significance. Review status: criteria provided, multiple submitters, no conflicts (2 of 4 stars). 3 submissions from 3 submitters: Uncertain significance (3). Last evaluated 2024-04-30.

Conditions:
Xeroderma pigmentosum, group C (XPC). Also called: XPC-Related Xeroderma Pigmentosum; XERODERMA PIGMENTOSUM III; XP, GROUP C; Xeroderma pigmentosum, complementation group C. Identifiers: Orphanet 910, MedGen C2752147, MONDO:0010211, OMIM 278720.

Allele frequency attached by ClinVar (database versions not stated): gnomAD exomes below 0.00001; ExAC 0.00001; gnomAD 0.00003 and 0.00004; TOPMed 0.00005; ESP Exome Variant Server 0.00008.
gnomAD v4.1: 45 of 1,612,998 alleles (0.0028%); highest among the groups gnomAD compares: Admixed American, 0.0067%; no homozygotes.

Submissions (3):

Fulgent Genetics
Classification: Uncertain significance for Xeroderma pigmentosum, group C. Last evaluated: 2024-04-30. Review status: criteria provided, single submitter. Criteria: ACMG Guidelines, 2015. Collection method: clinical testing. Allele origin: germline.

Baylor Genetics
Classification: Uncertain significance for Xeroderma pigmentosum, group C. Last evaluated: 2021-05-31. Review status: criteria provided, single submitter. Criteria: ACMG Guidelines, 2015. Collection method: clinical testing. Allele origin: unknown. Affected: yes. Study: CSER-TexasKidsCanSeq.
Comment: This variant was determined to be of uncertain significance according to ACMG Guidelines, 2015 [PMID:25741868].

Mayo Clinic Laboratories, Mayo Clinic
Classification: Uncertain significance. Last evaluated: 2020-11-25. Review status: criteria provided, single submitter. Criteria: ACMG Guidelines, 2015. Collection method: clinical testing. Allele origin: germline. Observed: 1 variant allele.

NM_004628.5(XPC):c.26G>T (p.Gly9Val)

Genes: XPC (XPC complex subunit, DNA damage recognition and repair factor; minus strand), LOC129936244 (ATAC-STARR-seq lymphoblastoid active region 19500; plus strand). Cytogenetic location: 3p25.1.
Variant type: single nucleotide variant.
Coding change: c.26G>T on transcript NM_004628.5 (MANE Select); coding-DNA position 26, G replaced by T.
Protein change: p.Gly9Val; replaces glycine 9 with valine.
Molecular consequence: missense variant. On other transcripts: 5 prime UTR variant (1), non-coding transcript variant (2).
Genome position (GRCh38, 1-based): chr3:14,178,543, C>A on the plus strand (G>T on the coding strand, the complement: XPC is on the minus strand). VCF-style: chr3-14178543-C-A. GRCh37 (hg19) VCF-style: chr3-14220043-C-A.
Other names: c.26G>T, p.Gly9Val (NM_001354727.2, NM_001354729.2, NM_001354730.2); c.-430G>T (NM_001354726.2); short protein forms G9V.
Identifiers: ClinVar variation 1163244 (VCV001163244.7), dbSNP rs376802950, ClinGen allele CA2267839.